The following is an entry in ClinVar:

ClinVar aggregate classification (germline): Conflicting classifications of pathogenicity. Review status: criteria provided, conflicting classifications (1 of 4 stars). 4 submissions from 4 submitters: Uncertain significance (2); Likely benign (1). 1 of the submissions does not count toward it. Last evaluated 2025-12-30.

Conditions:
Spastic paraplegia. Identifiers: MedGen C0037772, HP:0001258.
Charlevoix-Saguenay spastic ataxia (SACS). Also called: SPASTIC ATAXIA 6, AUTOSOMAL RECESSIVE; AUTOSOMAL RECESSIVE SPASTIC ATAXIA OF CHARLEVOIX-SAGUENAY; Spastic ataxia of Charlevoix-Saguenay. Identifiers: Orphanet 98, MedGen C1849140, MONDO:0010041, OMIM 270550.

Allele frequency attached by ClinVar (database versions not stated): gnomAD exomes 0.00001 and 0.00003; TOPMed 0.00001; ExAC 0.00004; gnomAD 0.00005 and 0.00006; ESP Exome Variant Server 0.00008; 1000 Genomes Project 0.00040; 1000 Genomes Project 30x 0.00047.
gnomAD v4.1: 31 of 1,608,046 alleles (0.0019%); highest among the groups gnomAD compares: Admixed American, 0.012%; no homozygotes.

Submissions (4):

Labcorp Genetics (formerly Invitae), Labcorp
Classification: Likely benign for Spastic paraplegia. Last evaluated: 2025-12-30. Review status: criteria provided, single submitter. Criteria: Invitae Variant Classification Sherloc (09022015). Collection method: clinical testing. Allele origin: germline.

Women's Health and Genetics/Laboratory Corporation of America, LabCorp
Classification: Uncertain significance. Last evaluated: 2025-09-17. Review status: criteria provided, single submitter. Criteria: LabCorp Variant Classification Summary - May 2015. Collection method: clinical testing. Allele origin: germline.
Comment: Variant summary: SACS c.5147A>G (p.Lys1716Arg) results in a conservative amino acid change in the encoded protein sequence. Algorithms developed to predict the effect of missense changes on protein structure and function are either unavailable or do not agree on the potential impact of this missense change. The variant allele was found at a frequency of 3.3e-05 in 244100 control chromosomes. The available data on variant occurrences in the general population are insufficient to allow any conclusion about variant significance. To our knowledge, no occurrence of c.5147A>G in individuals affected with SACS-related conditions and no experimental evidence demonstrating its impact on protein function have been reported. ClinVar contains an entry for this variant (Variation ID: 952794). Based on the evidence outlined above, the variant was classified as uncertain significance.

Blueprint Genetics
Classification: Uncertain significance. Last evaluated: 2021-10-21. Review status: criteria provided, single submitter. Criteria: ACMG Guidelines, 2015. Collection method: clinical testing. Allele origin: germline.

Natera, Inc.
Classification: Uncertain significance for Charlevoix-Saguenay type spastic ataxia. Last evaluated: 2020-06-25. Review status: no assertion criteria provided. Collection method: clinical testing. Allele origin: germline. Not counted in ClinVar's aggregate classification.

NM_014363.6(SACS):c.5147A>G (p.Lys1716Arg)

Gene: SACS (sacsin molecular chaperone; minus strand). Cytogenetic location: 13q12.12.
Variant type: single nucleotide variant.
Coding change: c.5147A>G on transcript NM_014363.6 (MANE Select); coding-DNA position 5147, A replaced by G.
Protein change: p.Lys1716Arg; replaces lysine 1716 with arginine.
Molecular consequence: missense variant.
Genome position (GRCh38, 1-based): chr13:23,338,729, T>C on the plus strand (A>G on the coding strand, the complement: SACS is on the minus strand). VCF-style: chr13-23338729-T-C. GRCh37 (hg19) VCF-style: chr13-23912868-T-C.
Other names: c.4706A>G, p.Lys1569Arg (NM_001278055.2); short protein forms K1569R, K1716R.
Identifiers: ClinVar variation 952794 (VCV000952794.10), dbSNP rs199998045, ClinGen allele CA6911294.
Genomic context (GRCh38, chr13:23,338,729, plus strand): 5'-GCAGCCTCTTTTAAAACACTTAAGACAGGTGTGTTCAATGCTTTGGAAGAGCAGGATTTT[T>C]TTTTAATTATTACTGTATCTTGTGCTAAACTGGGGTTGGTTTCCTCAATTTTCAAGTACT-3'
Protein context (NP_055178.3, residues 1706-1726): SLAQDTVIIK[Lys1716Arg]KSCSSKALNT